The following is an entry in ClinVar:

ClinVar aggregate classification (germline): Benign/Likely benign. Review status: criteria provided, multiple submitters, no conflicts (2 of 4 stars). 5 submissions from 5 submitters: Benign (1); Likely benign (3). 1 of the submissions does not count toward it. Last evaluated 2026-01-27.

Conditions:
MACF1-related disorder. Also called: MACF1-related condition.
Inborn genetic diseases. Identifiers: MedGen C0950123, MeSH D030342.

Allele frequency attached by ClinVar (database versions not stated): gnomAD exomes 0.00021; ExAC 0.00082; gnomAD 0.00217; TOPMed 0.00238; ESP Exome Variant Server 0.00300; 1000 Genomes Project 0.00459; 1000 Genomes Project 30x 0.00547.
gnomAD v4.1: 641 of 1,613,956 alleles (0.04%); highest among the groups gnomAD compares: African/African-American, 0.8%; 2 homozygotes.

Submissions (5):

Labcorp Genetics (formerly Invitae), Labcorp
Classification: Benign. Last evaluated: 2026-01-27. Review status: criteria provided, single submitter. Criteria: Invitae Variant Classification Sherloc (09022015). Collection method: clinical testing. Allele origin: germline.

Ambry Genetics
Classification: Likely benign for Inborn genetic diseases. Last evaluated: 2025-08-02. Review status: criteria provided, single submitter. Criteria: Ambry Variant Classification Scheme 2023. Collection method: clinical testing. Allele origin: germline.

CeGaT Center for Human Genetics Tuebingen
Classification: Likely benign. Last evaluated: 2025-07-01. Review status: criteria provided, single submitter. Criteria: CeGaT Center For Human Genetics Tuebingen Variant Classification Criteria Version 2. Collection method: clinical testing. Allele origin: germline. Affected: yes. Observed: 1 variant allele.
Comment: MACF1: BP4, BS1

Blueprint Genetics
Classification: Likely benign. Last evaluated: 2024-10-02. Review status: criteria provided, single submitter. Criteria: ACMG Guidelines, 2015. Collection method: clinical testing. Allele origin: germline.

PreventionGenetics, part of Exact Sciences
Classification: Benign for MACF1-related condition. Last evaluated: 2019-10-28. Review status: no assertion criteria provided. Collection method: clinical testing. Allele origin: germline. Not counted in ClinVar's aggregate classification.
Comment: This variant is classified as benign based on ACMG/AMP sequence variant interpretation guidelines (Richards et al. 2015 PMID: 25741868, with internal and published modifications).

NM_001394062.1(MACF1):c.11872T>C (p.Ser3958Pro)

Gene: MACF1 (microtubule actin crosslinking factor 1; plus strand). Cytogenetic location: 1p34.3.
Variant type: single nucleotide variant.
Coding change: c.11872T>C on transcript NM_001394062.1 (MANE Select); coding-DNA position 11872, T replaced by C.
Protein change: p.Ser3958Pro; replaces serine 3958 with proline.
Molecular consequence: missense variant.
Genome position (GRCh38, 1-based): chr1:39,357,822, T>C. VCF-style: chr1-39357822-T-C. GRCh37 (hg19) VCF-style: chr1-39823494-T-C.
Other names: c.5686T>C (NM_012090.4); c.5686T>C, p.Ser1896Pro (NM_012090.5); short protein forms S1896P, S3958P.
Identifiers: ClinVar variation 2071224 (VCV002071224.16), dbSNP rs77561254, ClinGen allele CA781677.